The following is an entry in ClinVar:

NM_032043.3(BRIP1):c.2861A>G (p.Lys954Arg)

Gene: BRIP1 (BRCA1 interacting DNA helicase 1; minus strand). Cytogenetic location: 17q23.2.
Variant type: single nucleotide variant.
Coding change: c.2861A>G on transcript NM_032043.3 (MANE Select); coding-DNA position 2861, A replaced by G.
Protein change: p.Lys954Arg; replaces lysine 954 with arginine.
Molecular consequence: missense variant.
Genome position (GRCh38, 1-based): chr17:61,685,880, T>C on the plus strand (A>G on the coding strand, the complement: BRIP1 is on the minus strand). VCF-style: chr17-61685880-T-C. GRCh37 (hg19) VCF-style: chr17-59763241-T-C.
Other names: short protein forms K954R.
Identifiers: ClinVar variation 1052554 (VCV001052554.10), dbSNP rs2144108739, ClinGen allele CA400481277.

ClinVar aggregate classification (germline): Uncertain significance (1 of 4 stars; one submission).

Conditions:
Fanconi anemia complementation group J. Also called: BRIP1-Related Fanconi Anemia. Identifiers: Orphanet 84, MedGen C1836860, MONDO:0012187, OMIM 609054.
Familial cancer of breast. Also called: hereditary breast carcinoma; Hereditary breast cancer; BREAST CANCER, FAMILIAL. Identifiers: Orphanet 227535, MedGen C0346153, MONDO:0016419, OMIM 114480. Disease mechanism: loss of function.

Submission:

Labcorp Genetics (formerly Invitae), Labcorp
Classification: Uncertain significance for Familial cancer of breast; Fanconi anemia complementation group J. Last evaluated: 2020-09-09. Review status: criteria provided, single submitter. Criteria: Invitae Variant Classification Sherloc (09022015). Collection method: clinical testing. Allele origin: germline.
Comment: This variant is not present in population databases (ExAC no frequency). This sequence change replaces lysine with arginine at codon 954 of the BRIP1 protein (p.Lys954Arg). The lysine residue is weakly conserved and there is a small physicochemical difference between lysine and arginine. This variant has not been reported in the literature in individuals with BRIP1-related conditions. In summary, the available evidence is currently insufficient to determine the role of this variant in disease. Therefore, it has been classified as a Variant of Uncertain Significance. Algorithms developed to predict the effect of sequence changes on RNA splicing suggest that this variant may create or strengthen a splice site, but this prediction has not been confirmed by published transcriptional studies. Algorithms developed to predict the effect of missense changes on protein structure and function (SIFT, PolyPhen-2, Align-GVGD) all suggest that this variant is likely to be tolerated, but these predictions have not been confirmed by published functional studies and their clinical significance is uncertain.